The following is an entry in ClinVar:

ClinVar aggregate classification (germline): Uncertain significance (1 of 4 stars; one submission).

Allele frequency attached by ClinVar (database versions not stated): TOPMed 0.00002; gnomAD 0.00003; gnomAD exomes 0.00005.
gnomAD v4.1: 56 of 1,203,082 alleles (0.0047%); highest among the groups gnomAD compares: Non-Finnish European, 0.0057%; no homozygotes.

Submission:

Labcorp Genetics (formerly Invitae), Labcorp
Classification: Uncertain significance. Last evaluated: 2025-07-28. Review status: criteria provided, single submitter. Criteria: Invitae Variant Classification Sherloc (09022015). Collection method: clinical testing. Allele origin: germline.
Comment: This sequence change replaces alanine, which is neutral and non-polar, with threonine, which is neutral and polar, at codon 20 of the SLC25A1 protein (p.Ala20Thr). This variant is not present in population databases (gnomAD no frequency). This variant has not been reported in the literature in individuals affected with SLC25A1-related conditions. ClinVar contains an entry for this variant (Variation ID: 2143842). An algorithm developed to predict the effect of missense changes on protein structure and function (PolyPhen-2) suggests that this variant is likely to be tolerated. In summary, the available evidence is currently insufficient to determine the role of this variant in disease. Therefore, it has been classified as a Variant of Uncertain Significance.

NM_005984.5(SLC25A1):c.58G>A (p.Ala20Thr)

Gene: SLC25A1 (solute carrier family 25 member 1; minus strand). Cytogenetic location: 22q11.21.
Variant type: single nucleotide variant.
Coding change: c.58G>A on transcript NM_005984.5 (MANE Select); coding-DNA position 58, G replaced by A.
Protein change: p.Ala20Thr; replaces alanine 20 with threonine.
Molecular consequence: missense variant. On other transcripts: non-coding transcript variant (1).
Genome position (GRCh38, 1-based): chr22:19,178,616, C>T on the plus strand (G>A on the coding strand, the complement: SLC25A1 is on the minus strand). VCF-style: chr22-19178616-C-T. GRCh37 (hg19) VCF-style: chr22-19166129-C-T.
Other names: short protein forms A20T.
Identifiers: ClinVar variation 2143842 (VCV002143842.4), dbSNP rs1270490552, ClinGen allele CA410644310.